The following is an entry in ClinVar:

ClinVar aggregate classification (germline): Uncertain significance. Review status: criteria provided, multiple submitters, no conflicts (2 of 4 stars). 4 submissions from 4 submitters: Uncertain significance (3). 1 of the submissions does not count toward it. Last evaluated 2025-11-12.

Conditions:
VAMP2-related disorder. Also called: VAMP2-related condition.
Inborn genetic diseases. Identifiers: MedGen C0950123, MeSH D030342.

gnomAD v4.1: 2 of 1,594,044 alleles (0.00013%); highest among the groups gnomAD compares: Non-Finnish European, 0.000085%; no homozygotes.

Submissions (4):

Dasa
Classification: Uncertain significance. Last evaluated: 2025-11-12. Review status: criteria provided, single submitter. Criteria: DASA Assertion Criteria. Collection method: clinical testing. Allele origin: germline.
Comment: NM_014232.3(VAMP2):c.76C>G (p.Leu26Val) is a missense variant that results in the substitution of leucine with valine. This variant is rare in population databases. Computational prediction algorithms are consistent with a benign effect. The currently available literature and clinical evidence are not sufficient to establish a definitive association between this variant and the reported condition. Therefore, this variant is classified as a variant of uncertain significance.

Ambry Genetics
Classification: Uncertain significance for Inborn genetic diseases. Last evaluated: 2025-05-13. Review status: criteria provided, single submitter. Criteria: Ambry Variant Classification Scheme 2023. Collection method: clinical testing. Allele origin: germline.

Blueprint Genetics
Classification: Uncertain significance. Last evaluated: 2022-01-20. Review status: criteria provided, single submitter. Criteria: ACMG Guidelines, 2015. Collection method: clinical testing. Allele origin: germline.

PreventionGenetics, part of Exact Sciences
Classification: Uncertain significance for VAMP2-related condition. Last evaluated: 2024-06-14. Review status: no assertion criteria provided. Collection method: clinical testing. Allele origin: germline. Not counted in ClinVar's aggregate classification.
Comment: The VAMP2 c.82C>G variant is predicted to result in the amino acid substitution p.Leu28Val. To our knowledge, this variant has not been reported in the literature or in a large population database, indicating this variant is rare. At this time, the clinical significance of this variant is uncertain due to the absence of conclusive functional and genetic evidence.

NM_014232.3(VAMP2):c.76C>G (p.Leu26Val)

Genes: VAMP2 (vesicle associated membrane protein 2; minus strand), LOC130060218 (ATAC-STARR-seq lymphoblastoid silent region 8166; plus strand). Cytogenetic location: 17p13.1.
Variant type: single nucleotide variant.
Coding change: c.76C>G on transcript NM_014232.3 (MANE Select); coding-DNA position 76, C replaced by G.
Protein change: p.Leu26Val; replaces leucine 26 with valine.
Molecular consequence: missense variant.
Genome position (GRCh38, 1-based): chr17:8,162,296, G>C on the plus strand (C>G on the coding strand, the complement: VAMP2 is on the minus strand). VCF-style: chr17-8162296-G-C. GRCh37 (hg19) VCF-style: chr17-8065614-G-C.
Other names: c.76C>G (NM_014232.2); c.82C>G, p.Leu28Val (NM_001330125.1); short protein forms L26V, L28V.
Identifiers: ClinVar variation 3344131 (VCV003344131.5).
Genomic context (GRCh38, chr17:8,162,296, plus strand): 5'-CCCCCACACTCACCTCATCCACCTGGGCCTGGGTCTGCTGCAGTCTCCTGTTACTGGTGA[G>C]GTTTGGAGGGGGTGCAGGGGGACCACCCTCCCCAGCCGGGGCAGCAGGGGGGGCCGTGGC-3'
Protein context (NP_055047.2, residues 16-36): EGGPPAPPPN[Leu26Val]TSNRRLQQTQ